The following is an entry in ClinVar:

ClinVar aggregate classification (germline): Uncertain significance (1 of 4 stars; one submission).

Submission:

Ambry Genetics
Classification: Uncertain significance. Last evaluated: 2025-02-09. Review status: criteria provided, single submitter. Criteria: Ambry Variant Classification Scheme 2023. Collection method: clinical testing. Allele origin: germline.
Comment: The p.I141N variant (also known as c.422T>A), located in coding exon 4 of the RECQL gene, results from a T to A substitution at nucleotide position 422. The isoleucine at codon 141 is replaced by asparagine, an amino acid with dissimilar properties. This amino acid position is conserved. In addition, this alteration is predicted to be tolerated by in silico analysis. Based on the available evidence, the clinical significance of this variant remains unclear.

NM_002907.4(RECQL):c.422T>A (p.Ile141Asn)

Gene: RECQL (RecQ like helicase; minus strand). Cytogenetic location: 12p12.1.
Variant type: single nucleotide variant.
Coding change: c.422T>A on transcript NM_002907.4 (MANE Select); coding-DNA position 422, T replaced by A.
Protein change: p.Ile141Asn; replaces isoleucine 141 with asparagine.
Molecular consequence: missense variant.
Genome position (GRCh38, 1-based): chr12:21,486,558, A>T on the plus strand (T>A on the coding strand, the complement: RECQL is on the minus strand). VCF-style: chr12-21486558-A-T. GRCh37 (hg19) VCF-style: chr12-21639492-A-T.
Other names: c.422T>A, p.Ile141Asn (NM_032941.3); short protein forms I141N.
Identifiers: ClinVar variation 3787917 (VCV003787917.1).